The following is an entry in ClinVar:

NM_001111.5(ADAR):c.3147A>T (p.Gln1049His)

Gene: ADAR (adenosine deaminase RNA specific; minus strand). Cytogenetic location: 1q21.3.
Variant type: single nucleotide variant.
Coding change: c.3147A>T on transcript NM_001111.5 (MANE Select); coding-DNA position 3147, A replaced by T.
Protein change: p.Gln1049His; replaces glutamine 1049 with histidine.
Molecular consequence: missense variant.
Genome position (GRCh38, 1-based): chr1:154,586,236, T>A on the plus strand (A>T on the coding strand, the complement: ADAR is on the minus strand). VCF-style: chr1-154586236-T-A. GRCh37 (hg19) VCF-style: chr1-154558712-T-A.
Other names: c.2262A>T, p.Gln754His (NM_001025107.3, NM_001193495.2, NM_001365046.1 and 2 more transcripts); c.3174A>T, p.Gln1058His (NM_001365045.1); c.2184A>T, p.Gln728His (NM_001365049.1); c.3069A>T, p.Gln1023His (NM_015840.4); c.3012A>T, p.Gln1004His (NM_015841.4); short protein forms Q1004H, Q1023H, Q1049H, Q1058H, Q728H, Q754H.
Identifiers: ClinVar variation 4075409 (VCV004075409.1).

ClinVar aggregate classification (germline): Likely pathogenic (1 of 4 stars; one submission).

Conditions:
Symmetrical dyschromatosis of extremities (DSH). Also called: DYSCHROMATOSIS SYMMETRICA HEREDITARIA 1; RETICULATE ACROPIGMENTATION OF DOHI; SYMMETRIC DYSCHROMATOSIS OF THE EXTREMITIES; Dyschromatosis symmetrica hereditaria. Identifiers: Orphanet 41, MedGen C0406775, MONDO:0007483, OMIM 127400.

Submission:

Dermatology, The Second Affiliated Hospital of Xi'an Jiaotong University
Classification: Likely pathogenic for Symmetrical dyschromatosis of extremities. Last evaluated: 2022-09-08. Review status: criteria provided, single submitter. Criteria: ACMG Guidelines, 2015. Collection method: clinical testing. Allele origin: germline. Affected: yes. Observed: 1 variant allele.
Comment: Nonsense variant c.3147A>T(p.Lys1049Ter) is classified as Likely Pathogenic. The variant truncates >10% of the protein and is predicted to cause loss of function via nonsense-mediated decay (PVS1_Moderate). Absent in population databases (PM2). No benign counterevidence.